The following is an entry in ClinVar:

NM_001013838.3(CARMIL2):c.843C>G (p.Ser281Arg)

Gene: CARMIL2 (capping protein regulator and myosin 1 linker 2; plus strand). Cytogenetic location: 16q22.1.
Variant type: single nucleotide variant.
Coding change: c.843C>G on transcript NM_001013838.3 (MANE Select); coding-DNA position 843, C replaced by G.
Protein change: p.Ser281Arg; replaces serine 281 with arginine.
Molecular consequence: missense variant.
Genome position (GRCh38, 1-based): chr16:67,647,574, C>G. VCF-style: chr16-67647574-C-G. GRCh37 (hg19) VCF-style: chr16-67681477-C-G.
Other names: c.843C>G, p.Ser281Arg (NM_001317026.3); short protein forms S281R.
Identifiers: ClinVar variation 3627345 (VCV003627345.2).

ClinVar aggregate classification (germline): Uncertain significance (1 of 4 stars; one submission).

Submission:

Labcorp Genetics (formerly Invitae), Labcorp
Classification: Uncertain significance. Last evaluated: 2024-04-08. Review status: criteria provided, single submitter. Criteria: Invitae Variant Classification Sherloc (09022015). Collection method: clinical testing. Allele origin: germline.
Comment: This sequence change replaces serine, which is neutral and polar, with arginine, which is basic and polar, at codon 281 of the CARMIL2 protein (p.Ser281Arg). This variant is not present in population databases (gnomAD no frequency). This variant has not been reported in the literature in individuals affected with CARMIL2-related conditions. Advanced modeling of protein sequence and biophysical properties (such as structural, functional, and spatial information, amino acid conservation, physicochemical variation, residue mobility, and thermodynamic stability) has been performed at Invitae for this missense variant, however the output from this modeling did not meet the statistical confidence thresholds required to predict the impact of this variant on CARMIL2 protein function. In summary, the available evidence is currently insufficient to determine the role of this variant in disease. Therefore, it has been classified as a Variant of Uncertain Significance.